The following is an entry in ClinVar:

ClinVar aggregate classification (germline): Conflicting classifications of pathogenicity. Review status: criteria provided, conflicting classifications (1 of 4 stars). 4 submissions from 4 submitters: Uncertain significance (3); Benign (1). Last evaluated 2025-12-29.

Conditions:
Renal cell carcinoma. Identifiers: Orphanet 217071, MedGen C0007134, MeSH D002292, MONDO:0005086, HP:0005584.
Hereditary cancer-predisposing syndrome. Also called: Hereditary Cancer Syndrome; Hereditary neoplastic syndrome; Neoplastic Syndromes, Hereditary; Tumor predisposition. Identifiers: Orphanet 140162, MedGen C0027672, MeSH D009386, MONDO:0015356.

gnomAD v4.1: 2 of 1,614,032 alleles (0.00012%); highest among the groups gnomAD compares: Non-Finnish European, 0.00017%; no homozygotes.

Submissions (4):

Center for Genomic Medicine, Rigshospitalet, Copenhagen University Hospital
Classification: Uncertain significance. Last evaluated: 2025-12-29. Review status: criteria provided, single submitter. Criteria: ACMG Guidelines, 2015. Collection method: clinical testing. Allele origin: germline.

Labcorp Genetics (formerly Invitae), Labcorp
Classification: Uncertain significance for Renal cell carcinoma. Last evaluated: 2025-08-31. Review status: criteria provided, single submitter. Criteria: Invitae Variant Classification Sherloc (09022015). Collection method: clinical testing. Allele origin: germline.
Comment: This sequence change replaces aspartic acid, which is acidic and polar, with asparagine, which is neutral and polar, at codon 94 of the MET protein (p.Asp94Asn). This variant is not present in population databases (gnomAD no frequency). This variant has not been reported in the literature in individuals affected with MET-related conditions. ClinVar contains an entry for this variant (Variation ID: 454223). Invitae Evidence Modeling of protein sequence and biophysical properties (such as structural, functional, and spatial information, amino acid conservation, physicochemical variation, residue mobility, and thermodynamic stability) indicates that this missense variant is not expected to disrupt MET protein function with a negative predictive value of 80%. In summary, the available evidence is currently insufficient to determine the role of this variant in disease. Therefore, it has been classified as a Variant of Uncertain Significance.

Ambry Genetics
Classification: Benign for Hereditary cancer-predisposing syndrome. Last evaluated: 2024-11-26. Review status: criteria provided, single submitter. Criteria: Ambry Variant Classification Scheme 2023. Collection method: clinical testing. Allele origin: germline.

GeneDx
Classification: Uncertain significance. Last evaluated: 2023-03-20. Review status: criteria provided, single submitter. Criteria: GeneDx Variant Classification Process June 2021. Collection method: clinical testing. Allele origin: germline. Affected: yes.
Comment: Not observed at significant frequency in large population cohorts (gnomAD); In silico analysis supports that this missense variant does not alter protein structure/function; Has not been previously published as pathogenic or benign to our knowledge

NM_000245.4(MET):c.280G>A (p.Asp94Asn)

Gene: MET (MET proto-oncogene, receptor tyrosine kinase; plus strand). Cytogenetic location: 7q31.2.
Variant type: single nucleotide variant.
Coding change: c.280G>A on transcript NM_000245.4 (MANE Select); coding-DNA position 280, G replaced by A.
Protein change: p.Asp94Asn; replaces aspartic acid 94 with asparagine.
Molecular consequence: missense variant. On other transcripts: intron variant (1).
Genome position (GRCh38, 1-based): chr7:116,699,364, G>A. VCF-style: chr7-116699364-G-A. GRCh37 (hg19) VCF-style: chr7-116339418-G-A.
Other names: c.280G>A, p.Asp94Asn (NM_001127500.3, NM_001324401.3); c.-91+26787G>A (NM_001324402.2); short protein forms D94N.
Identifiers: ClinVar variation 454223 (VCV000454223.15), dbSNP rs899151863, ClinGen allele CA368968724.